The following is an entry in ClinVar:

ClinVar aggregate classification (germline): Uncertain significance. Review status: criteria provided, multiple submitters, no conflicts (2 of 4 stars). 2 submissions from 2 submitters: Uncertain significance (2). Last evaluated 2025-11-11.

Conditions:
Hereditary cancer-predisposing syndrome. Also called: Neoplastic Syndromes, Hereditary; Hereditary Cancer Syndrome; Hereditary neoplastic syndrome; Tumor predisposition. Identifiers: Orphanet 140162, MedGen C0027672, MeSH D009386, MONDO:0015356.
Gorlin syndrome. Also called: Nevoid Basal Cell Carcinoma Syndrome; Basal cell nevus syndrome. Identifiers: Orphanet 377, MedGen C0004779, MONDO:0007187.

Submissions (2):

Ambry Genetics
Classification: Uncertain significance for Hereditary cancer-predisposing syndrome. Last evaluated: 2025-11-11. Review status: criteria provided, single submitter. Criteria: Ambry Variant Classification Scheme 2023. Collection method: clinical testing. Allele origin: germline.
Comment: The p.N141D variant (also known as c.421A>G), located in coding exon 3 of the PTCH1 gene, results from an A to G substitution at nucleotide position 421. The asparagine at codon 141 is replaced by aspartic acid, an amino acid with highly similar properties. This amino acid position is conserved. In addition, this alteration is predicted to be tolerated by in silico analysis. Based on the available evidence, the clinical significance of this variant remains unclear.

Labcorp Genetics (formerly Invitae), Labcorp
Classification: Uncertain significance for Gorlin syndrome. Last evaluated: 2019-05-22. Review status: criteria provided, single submitter. Criteria: Invitae Variant Classification Sherloc (09022015). Collection method: clinical testing. Allele origin: germline.
Comment: In summary, the available evidence is currently insufficient to determine the role of this variant in disease. Therefore, it has been classified as a Variant of Uncertain Significance. Algorithms developed to predict the effect of missense changes on protein structure and function (SIFT, PolyPhen-2, Align-GVGD) all suggest that this variant is likely to be tolerated, but these predictions have not been confirmed by published functional studies and their clinical significance is uncertain. This variant has not been reported in the literature in individuals with PTCH1-related conditions. This variant is not present in population databases (ExAC no frequency). This sequence change replaces asparagine with aspartic acid at codon 141 of the PTCH1 protein (p.Asn141Asp). The asparagine residue is weakly conserved and there is a small physicochemical difference between asparagine and aspartic acid.

NM_000264.5(PTCH1):c.421A>G (p.Asn141Asp)

Gene: PTCH1 (patched 1; minus strand). Cytogenetic location: 9q22.32.
Variant type: single nucleotide variant.
Coding change: c.421A>G on transcript NM_000264.5 (MANE Select); coding-DNA position 421, A replaced by G.
Protein change: p.Asn141Asp; replaces asparagine 141 with aspartic acid.
Molecular consequence: missense variant. On other transcripts: 5 prime UTR variant (4), non-coding transcript variant (1).
Genome position (GRCh38, 1-based): chr9:95,485,848, T>C on the plus strand (A>G on the coding strand, the complement: PTCH1 is on the minus strand). VCF-style: chr9-95485848-T-C. GRCh37 (hg19) VCF-style: chr9-98248130-T-C.
Other names: c.223A>G, p.Asn75Asp (NM_001083602.3, NM_001354919.2); c.418A>G, p.Asn140Asp (NM_001083603.3); c.-33A>G (NM_001083604.3, NM_001083605.3, NM_001083606.3 and 1 more transcripts); c.421A>G, p.Asn141Asp (NM_001354918.2); short protein forms N75D, N140D, N141D.
Identifiers: ClinVar variation 850416 (VCV000850416.11), dbSNP rs1841928550, ClinGen allele CA374117259.